The following is an entry in ClinVar:

NM_000321.3(RB1):c.1561C>G (p.Leu521Val)

Gene: RB1 (RB transcriptional corepressor 1; plus strand). Cytogenetic location: 13q14.2.
Variant type: single nucleotide variant.
Coding change: c.1561C>G on transcript NM_000321.3 (MANE Select); coding-DNA position 1561, C replaced by G.
Protein change: p.Leu521Val; replaces leucine 521 with valine.
Molecular consequence: missense variant.
Genome position (GRCh38, 1-based): chr13:48,381,309, C>G. VCF-style: chr13-48381309-C-G. GRCh37 (hg19) VCF-style: chr13-48955445-C-G.
Other names: c.1561C>G, p.Leu521Val (NM_001407165.1, NM_001407166.1); short protein forms L521V.
Identifiers: ClinVar variation 2707780 (VCV002707780.3), dbSNP rs2138145123, ClinGen allele CA388163523.

ClinVar aggregate classification (germline): Uncertain significance (1 of 4 stars; one submission).

Conditions:
Retinoblastoma (RB1). Also called: RETINOBLASTOMA, SOMATIC. Identifiers: Orphanet 790, MedGen C0035335, MeSH D012175, MONDO:0008380, OMIM 180200, HP:0009919. Disease mechanism: loss of function. Inheritance: Both sporadic and heritable forms are tested..

Submission:

Labcorp Genetics (formerly Invitae), Labcorp
Classification: Uncertain significance for Retinoblastoma. Last evaluated: 2024-04-16. Review status: criteria provided, single submitter. Criteria: Invitae Variant Classification Sherloc (09022015). Collection method: clinical testing. Allele origin: germline.
Comment: This sequence change replaces leucine, which is neutral and non-polar, with valine, which is neutral and non-polar, at codon 521 of the RB1 protein (p.Leu521Val). This variant is not present in population databases (gnomAD no frequency). This variant has not been reported in the literature in individuals affected with RB1-related conditions. Advanced modeling of protein sequence and biophysical properties (such as structural, functional, and spatial information, amino acid conservation, physicochemical variation, residue mobility, and thermodynamic stability) performed at Invitae indicates that this missense variant is not expected to disrupt RB1 protein function with a negative predictive value of 80%. In summary, the available evidence is currently insufficient to determine the role of this variant in disease. Therefore, it has been classified as a Variant of Uncertain Significance.